The following is an entry in ClinVar:

ClinVar aggregate classification (germline): Uncertain significance (1 of 4 stars; one submission).

Allele frequency attached by ClinVar (database versions not stated): gnomAD 0.00001; gnomAD exomes 0.00001 and 0.00002; TOPMed 0.00002; ExAC 0.00003; 1000 Genomes Project 30x 0.00016; 1000 Genomes Project 0.00020.
gnomAD v4.1: 15 of 1,613,750 alleles (0.00093%); highest among the groups gnomAD compares: South Asian, 0.0033%; no homozygotes.

Submission:

Labcorp Genetics (formerly Invitae), Labcorp
Classification: Uncertain significance. Last evaluated: 2019-11-29. Review status: criteria provided, single submitter. Criteria: Invitae Variant Classification Sherloc (09022015). Collection method: clinical testing. Allele origin: germline.
Comment: This sequence change replaces methionine with valine at codon 467 of the KLHL7 protein (p.Met467Val). The methionine residue is highly conserved and there is a small physicochemical difference between methionine and valine. This variant is present in population databases (rs199683740, ExAC 0.006%). This variant has not been reported in the literature in individuals with KLHL7-related conditions. Algorithms developed to predict the effect of missense changes on protein structure and function are either unavailable or do not agree on the potential impact of this missense change (SIFT: "Deleterious"; PolyPhen-2: "Benign"; Align-GVGD: "Class C15"). In summary, the available evidence is currently insufficient to determine the role of this variant in disease. Therefore, it has been classified as a Variant of Uncertain Significance.

NM_001031710.3(KLHL7):c.1399A>G (p.Met467Val)

Gene: KLHL7 (kelch like family member 7; plus strand). Cytogenetic location: 7p15.3.
Variant type: single nucleotide variant.
Coding change: c.1399A>G on transcript NM_001031710.3 (MANE Select); coding-DNA position 1399, A replaced by G.
Protein change: p.Met467Val; replaces methionine 467 with valine.
Molecular consequence: missense variant. On other transcripts: non-coding transcript variant (1).
Genome position (GRCh38, 1-based): chr7:23,172,967, A>G. VCF-style: chr7-23172967-A-G. GRCh37 (hg19) VCF-style: chr7-23212586-A-G.
Other names: c.1255A>G, p.Met419Val (NM_018846.5); short protein forms M419V, M467V.
Identifiers: ClinVar variation 861006 (VCV000861006.10), dbSNP rs199683740, ClinGen allele CA4186621.
Genomic context (GRCh38, chr7:23,172,967, plus strand): 5'-CTTCCTGTAAACAAGCACACTAAAAACTTTAATTTTTTCAGATGGACTGAGCTGTGTCCA[A>G]TGATTGAAGCCAGGAAGAATCATGGGCTGGTATTTGTAAAAGACAAGATATTTGCTGTGG-3'
Protein context (NP_001026880.2, residues 457-477): ATETWTELCP[Met467Val]IEARKNHGLV